The following is an entry in ClinVar:

NM_000553.6(WRN):c.3613T>C (p.Ser1205Pro)

Gene: WRN (WRN RecQ like helicase; plus strand). Cytogenetic location: 8p12.
Variant type: single nucleotide variant.
Coding change: c.3613T>C on transcript NM_000553.6 (MANE Select); coding-DNA position 3613, T replaced by C.
Protein change: p.Ser1205Pro; replaces serine 1205 with proline.
Molecular consequence: missense variant.
Genome position (GRCh38, 1-based): chr8:31,150,381, T>C. VCF-style: chr8-31150381-T-C. GRCh37 (hg19) VCF-style: chr8-31007897-T-C.
Other names: short protein forms S1205P.
Identifiers: ClinVar variation 646656 (VCV000646656.7), dbSNP rs368955181, ClinGen allele CA4705133.
Genomic context (GRCh38, chr8:31,150,381, plus strand): 5'-GTTGTTGTTGTTAAACACAGACCAACTACGGTTGAAAACGTAAAAAGGATTGATGGTGTT[T>C]CTGAAGGCAAAGCTGCCATGTTGGCCCCTCTGTTGGAAGTCATCAAACATTTCTGCCAAA-3'
Protein context (NP_000544.2, residues 1195-1215): VENVKRIDGV[Ser1205Pro]EGKAAMLAPL

ClinVar aggregate classification (germline): Uncertain significance. Review status: criteria provided, multiple submitters, no conflicts (2 of 4 stars). 3 submissions from 3 submitters: Uncertain significance (3). Last evaluated 2024-09-08.

Conditions:
Inborn genetic diseases. Identifiers: MedGen C0950123, MeSH D030342.
Werner syndrome (WRN). Identifiers: Orphanet 902, MedGen C0043119, MONDO:0010196, OMIM 277700.

Allele frequency attached by ClinVar (database versions not stated): gnomAD exomes below 0.00001; ExAC 0.00001; TOPMed 0.00001; gnomAD 0.00002; ESP Exome Variant Server 0.00008.
gnomAD v4.1: 5 of 1,614,058 alleles (0.00031%); highest among the groups gnomAD compares: Non-Finnish European, 0.00042%; no homozygotes.

Submissions (3):

Ambry Genetics
Classification: Uncertain significance for Inborn genetic diseases. Last evaluated: 2024-09-08. Review status: criteria provided, single submitter. Criteria: Ambry Variant Classification Scheme 2023. Collection method: clinical testing. Allele origin: germline.

Fulgent Genetics
Classification: Uncertain significance for Werner syndrome. Last evaluated: 2024-03-17. Review status: criteria provided, single submitter. Criteria: ACMG Guidelines, 2015. Collection method: clinical testing. Allele origin: germline.

Labcorp Genetics (formerly Invitae), Labcorp
Classification: Uncertain significance for Werner syndrome. Last evaluated: 2023-07-25. Review status: criteria provided, single submitter. Criteria: Invitae Variant Classification Sherloc (09022015). Collection method: clinical testing. Allele origin: germline.
Comment: ClinVar contains an entry for this variant (Variation ID: 646656). This variant has not been reported in the literature in individuals affected with WRN-related conditions. This variant is present in population databases (rs368955181, gnomAD 0.0009%). This sequence change replaces serine, which is neutral and polar, with proline, which is neutral and non-polar, at codon 1205 of the WRN protein (p.Ser1205Pro). An algorithm developed to predict the effect of missense changes on protein structure and function (PolyPhen-2) suggests that this variant is likely to be disruptive. In summary, the available evidence is currently insufficient to determine the role of this variant in disease. Therefore, it has been classified as a Variant of Uncertain Significance.